The following is an entry in ClinVar:

ClinVar aggregate classification (germline): Uncertain significance (1 of 4 stars; one submission).

Conditions:
Neuromuscular disease caused by qualitative or quantitative defects of dysferlin. Also called: Dysferlinopathy; Qualitative or quantitative defects of dysferlin. Identifiers: Orphanet 207073, MedGen C2931687, MONDO:0016145.

Allele frequency attached by ClinVar (database versions not stated): TOPMed below 0.00001.
gnomAD v4.1: 9 of 1,605,442 alleles (0.00056%); highest among the groups gnomAD compares: African/African-American, 0.004%; no homozygotes.

Submission:

Labcorp Genetics (formerly Invitae), Labcorp
Classification: Uncertain significance for Neuromuscular disease caused by qualitative or quantitative defects of dysferlin. Last evaluated: 2022-08-31. Review status: criteria provided, single submitter. Criteria: Invitae Variant Classification Sherloc (09022015). Collection method: clinical testing. Allele origin: germline.
Comment: This sequence change replaces glutamic acid, which is acidic and polar, with aspartic acid, which is acidic and polar, at codon 548 of the DYSF protein (p.Glu548Asp). This variant is not present in population databases (gnomAD no frequency). This variant has not been reported in the literature in individuals affected with DYSF-related conditions. ClinVar contains an entry for this variant (Variation ID: 1421385). Advanced modeling of protein sequence and biophysical properties (such as structural, functional, and spatial information, amino acid conservation, physicochemical variation, residue mobility, and thermodynamic stability) performed at Invitae indicates that this missense variant is not expected to disrupt DYSF protein function. Algorithms developed to predict the effect of sequence changes on RNA splicing suggest that this variant may disrupt the consensus splice site. In summary, the available evidence is currently insufficient to determine the role of this variant in disease. Therefore, it has been classified as a Variant of Uncertain Significance.

NM_001130987.2(DYSF):c.1698A>C (p.Glu566Asp)

Gene: DYSF (dysferlin; plus strand). Cytogenetic location: 2p13.2.
Variant type: single nucleotide variant.
Coding change: c.1698A>C on transcript NM_001130987.2 (MANE Select); coding-DNA position 1698, A replaced by C.
Protein change: p.Glu566Asp; replaces glutamic acid 566 with aspartic acid.
Molecular consequence: missense variant.
Genome position (GRCh38, 1-based): chr2:71,551,612, A>C. VCF-style: chr2-71551612-A-C. GRCh37 (hg19) VCF-style: chr2-71778742-A-C.
Other names: c.1647A>C, p.Glu549Asp (NM_001130455.2, NM_001130983.2); c.1602A>C, p.Glu534Asp (NM_001130976.2, NM_001130977.2); c.1644A>C, p.Glu548Asp (NM_001130978.2, NM_003494.4); c.1737A>C, p.Glu579Asp (NM_001130979.2); c.1695A>C, p.Glu565Asp (NM_001130980.2, NM_001130981.2); c.1740A>C, p.Glu580Asp (NM_001130982.2); c.1605A>C, p.Glu535Asp (NM_001130984.2, NM_001130986.2); c.1698A>C, p.Glu566Asp (NM_001130985.2); short protein forms E534D, E548D, E579D, E535D, E565D, E580D, E549D, E566D.
Identifiers: ClinVar variation 1421385 (VCV001421385.5), dbSNP rs1573933468, ClinGen allele CA347217560.